The following is an entry in ClinVar:

NM_006244.4(PPP2R5B):c.521G>A (p.Arg174His)

Genes: PPP2R5B (protein phosphatase 2 regulatory subunit B'beta; plus strand), LOC126861234 (BRD4-independent group 4 enhancer GRCh37_chr11:64694868-64696067; plus strand). Cytogenetic location: 11q13.1.
Variant type: single nucleotide variant.
Coding change: c.521G>A on transcript NM_006244.4 (MANE Select); coding-DNA position 521, G replaced by A.
Protein change: p.Arg174His; replaces arginine 174 with histidine.
Molecular consequence: missense variant.
Genome position (GRCh38, 1-based): chr11:64,928,088, G>A. VCF-style: chr11-64928088-G-A. GRCh37 (hg19) VCF-style: chr11-64695560-G-A.
Other names: short protein forms R174H.
Identifiers: ClinVar variation 1381040 (VCV001381040.6), dbSNP rs150933072, ClinGen allele CA223920555.

ClinVar aggregate classification (germline): Uncertain significance (1 of 4 stars; one submission).

Allele frequency attached by ClinVar (database versions not stated): gnomAD 0.00001; TOPMed 0.00002.
gnomAD v4.1: 51 of 1,614,044 alleles (0.0032%); highest among the groups gnomAD compares: Non-Finnish European, 0.0038%; no homozygotes.

Submission:

Labcorp Genetics (formerly Invitae), Labcorp
Classification: Uncertain significance. Last evaluated: 2021-09-24. Review status: criteria provided, single submitter. Criteria: Invitae Variant Classification Sherloc (09022015). Collection method: clinical testing. Allele origin: germline.
Comment: In summary, the available evidence is currently insufficient to determine the role of this variant in disease. Therefore, it has been classified as a Variant of Uncertain Significance. Algorithms developed to predict the effect of missense changes on protein structure and function are either unavailable or do not agree on the potential impact of this missense change (SIFT: "Deleterious"; PolyPhen-2: "Benign"; Align-GVGD: "Class C0"). This variant has not been reported in the literature in individuals affected with PPP2R5B-related conditions. This variant is not present in population databases (ExAC no frequency). This sequence change replaces arginine with histidine at codon 174 of the PPP2R5B protein (p.Arg174His). The arginine residue is highly conserved and there is a small physicochemical difference between arginine and histidine.